The following is an entry in ClinVar:

ClinVar aggregate classification (germline): Likely benign. Review status: criteria provided, multiple submitters, no conflicts (2 of 4 stars). 4 submissions from 4 submitters: Likely benign (4). Last evaluated 2026-01-19.

Conditions:
Primary dilated cardiomyopathy (DCM). Also called: Dilated Cardiomyopathy. Identifiers: Orphanet 217604, MedGen C0007193, MeSH D002311, MONDO:0005021, HP:0001644. Inheritance: Various modes of inheritance.

Allele frequency attached by ClinVar (database versions not stated): ExAC 0.00003; gnomAD exomes 0.00003 and 0.00015; gnomAD 0.00004; TOPMed 0.00006.
gnomAD v4.1: 222 of 1,612,262 alleles (0.014%); highest among the groups gnomAD compares: Non-Finnish European, 0.018%; 1 homozygote.

Submissions (4):

Labcorp Genetics (formerly Invitae), Labcorp
Classification: Likely benign for Primary dilated cardiomyopathy. Last evaluated: 2026-01-19. Review status: criteria provided, single submitter. Criteria: Invitae Variant Classification Sherloc (09022015). Collection method: clinical testing. Allele origin: germline.

Women's Health and Genetics/Laboratory Corporation of America, LabCorp
Classification: Likely benign. Last evaluated: 2025-07-24. Review status: criteria provided, single submitter. Criteria: LabCorp Variant Classification Summary - May 2015. Collection method: clinical testing. Allele origin: germline.

GeneDx
Classification: Likely benign. Last evaluated: 2019-10-15. Review status: criteria provided, single submitter. Criteria: GeneDx Variant Classification Process June 2021. Collection method: clinical testing. Allele origin: germline. Affected: yes.

Laboratory for Molecular Medicine, Mass General Brigham Personalized Medicine
Classification: Likely benign. Last evaluated: 2017-01-30. Review status: criteria provided, single submitter. Criteria: LMM Criteria. Collection method: clinical testing. Allele origin: germline. Observed: 1 variant allele.
Comment: c.2347-9C>T in intron 23 of NEB1: This variant is not expected to have clinical significance because a C>T change at this position does not diverge from the spl ice consensus sequence and is therefore unlikely to impact splicing. It has been identified in 4/64322 European chromosomes by the Exome Aggregation Consortium (ExAC; dbSNP rs750957531).

NM_006393.3(NEBL):c.2347-9C>T

Gene: NEBL (nebulette; minus strand). Cytogenetic location: 10p12.31.
Variant type: single nucleotide variant.
Coding change: c.2347-9C>T on transcript NM_006393.3 (MANE Select); 9 bases into the intron before coding-DNA position 2347, C replaced by T.
Molecular consequence: intron variant.
Genome position (GRCh38, 1-based): chr10:20,812,949, G>A on the plus strand (C>T on the coding strand, the complement: NEBL is on the minus strand). VCF-style: chr10-20812949-G-A. GRCh37 (hg19) VCF-style: chr10-21101878-G-A.
Other names: c.250-9C>T (NM_001377326.1, NM_001377327.1, NM_001377328.1); c.358-9C>T (NM_213569.2, NM_001173484.2, NM_001377322.1); c.301-9C>T (NM_001377324.1); c.292-9C>T (NM_001377325.1); c.310-9C>T (NM_001377323.1).
Identifiers: ClinVar variation 512366 (VCV000512366.16), dbSNP rs750957531, ClinGen allele CA5432499.